The following is an entry in ClinVar:

NM_006514.4(SCN10A):c.230A>T (p.Glu77Val)

Gene: SCN10A (sodium voltage-gated channel alpha subunit 10; minus strand). Cytogenetic location: 3p22.2.
Variant type: single nucleotide variant.
Coding change: c.230A>T on transcript NM_006514.4 (MANE Select); coding-DNA position 230, A replaced by T.
Protein change: p.Glu77Val; replaces glutamic acid 77 with valine.
Molecular consequence: missense variant.
Genome position (GRCh38, 1-based): chr3:38,793,781, T>A on the plus strand (A>T on the coding strand, the complement: SCN10A is on the minus strand). VCF-style: chr3-38793781-T-A. GRCh37 (hg19) VCF-style: chr3-38835272-T-A.
Other names: c.230A>T, p.Glu77Val (NM_001293306.2, NM_001293307.2); short protein forms E77V.
Identifiers: ClinVar variation 4160557 (VCV004160557.1).
Genomic context (GRCh38, chr3:38,793,781, plus strand): 5'-TTCCTACTAGTAGCTCTTACCCGGTGTGTGCTGTAGAACGGATCTAGATCCTCCAGGGGC[T>A]CCCCGATCAGTTCTGCTGGGAGCTCACCATAGAACTTGGGCAGCTGGTTGCAGGCTTTCA-3'
Protein context (NP_006505.4, residues 67-87): YGELPAELIG[Glu77Val]PLEDLDPFYS

ClinVar aggregate classification (germline): Uncertain significance (1 of 4 stars; one submission).

Conditions:
Cardiovascular phenotype. Identifiers: MedGen CN230736.

Submission:

Ambry Genetics
Classification: Uncertain significance for Cardiovascular phenotype. Last evaluated: 2025-08-28. Review status: criteria provided, single submitter. Criteria: Ambry Variant Classification Scheme 2023. Collection method: clinical testing. Allele origin: germline.
Comment: The p.E77V variant (also known as c.230A>T), located in coding exon 1 of the SCN10A gene, results from an A to T substitution at nucleotide position 230. The glutamic acid at codon 77 is replaced by valine, an amino acid with dissimilar properties. This amino acid position is conserved. In addition, the in silico prediction for this alteration is inconclusive. Based on the available evidence, the clinical significance of this variant remains unclear.